The following is an entry in ClinVar:

NM_031935.3(HMCN1):c.11662A>C (p.Thr3888Pro)

Gene: HMCN1 (hemicentin 1; plus strand). Cytogenetic location: 1q31.1.
Variant type: single nucleotide variant.
Coding change: c.11662A>C on transcript NM_031935.3 (MANE Select); coding-DNA position 11662, A replaced by C.
Protein change: p.Thr3888Pro; replaces threonine 3888 with proline.
Molecular consequence: missense variant.
Genome position (GRCh38, 1-based): chr1:186,117,094, A>C. VCF-style: chr1-186117094-A-C. GRCh37 (hg19) VCF-style: chr1-186086226-A-C.
Other names: short protein forms T3888P.
Identifiers: ClinVar variation 3607429 (VCV003607429.2).
Genomic context (GRCh38, chr1:186,117,094, plus strand): 5'-GTGGATGACACTGCAACCTATGAATGTACTGTGACAAACGGTGCTGGAGATGATAAAAGA[A>C]CTGTGGATCTCACTGTCCAAGGTAGAATTGGCTTGGAACATGGATTGAAACATGATAATG-3'
Protein context (NP_114141.2, residues 3878-3898): VTNGAGDDKR[Thr3888Pro]VDLTVQVPPS

ClinVar aggregate classification (germline): Uncertain significance (1 of 4 stars; one submission).

gnomAD v4.1: 6 of 1,613,394 alleles (0.00037%); highest among the groups gnomAD compares: Admixed American, 0.0033%; no homozygotes.

Submission:

Labcorp Genetics (formerly Invitae), Labcorp
Classification: Uncertain significance. Last evaluated: 2024-02-17. Review status: criteria provided, single submitter. Criteria: Invitae Variant Classification Sherloc (09022015). Collection method: clinical testing. Allele origin: germline.
Comment: This sequence change replaces threonine, which is neutral and polar, with proline, which is neutral and non-polar, at codon 3888 of the HMCN1 protein (p.Thr3888Pro). This variant is present in population databases (rs772015867, gnomAD 0.006%). This variant has not been reported in the literature in individuals affected with HMCN1-related conditions. An algorithm developed to predict the effect of missense changes on protein structure and function (PolyPhen-2) suggests that this variant is likely to be disruptive. In summary, the available evidence is currently insufficient to determine the role of this variant in disease. Therefore, it has been classified as a Variant of Uncertain Significance.